The following is an entry in ClinVar:

NM_006231.4(POLE):c.4876C>T (p.Arg1626Cys)

Gene: POLE (DNA polymerase epsilon, catalytic subunit; minus strand). Cytogenetic location: 12q24.33.
Variant type: single nucleotide variant.
Coding change: c.4876C>T on transcript NM_006231.4 (MANE Select); coding-DNA position 4876, C replaced by T.
Protein change: p.Arg1626Cys; replaces arginine 1626 with cysteine.
Molecular consequence: missense variant.
Genome position (GRCh38, 1-based): chr12:132,642,582, G>A on the plus strand (C>T on the coding strand, the complement: POLE is on the minus strand). VCF-style: chr12-132642582-G-A. GRCh37 (hg19) VCF-style: chr12-133219168-G-A.
Other names: short protein forms R1626C.
Identifiers: ClinVar variation 473695 (VCV000473695.15), dbSNP rs753713315, ClinGen allele CA6892692.
Genomic context (GRCh38, chr12:132,642,582, plus strand): 5'-CCTGCGACAGGCAGGTGTCCAGGTTGAGGTAGTGACGGATCATGCGCCGGGCTCCATGGC[G>A]CTGCCAGTCCAGGACCCCATAGTTGATCTTGTCAGCCACACAGATAGGCACCAGTGGGAA-3'
Protein context (NP_006222.2, residues 1616-1636): KINYGVLDWQ[Arg1626Cys]HGARRMIRHY

ClinVar aggregate classification (germline): Uncertain significance. Review status: criteria provided, multiple submitters, no conflicts (2 of 4 stars). 4 submissions from 4 submitters: Uncertain significance (4). Last evaluated 2026-01-11.

Conditions:
Facial dysmorphism-immunodeficiency-livedo-short stature syndrome. Also called: Facial dysmorphism, immunodeficiency, livedo, and short stature; FILS syndrome. Identifiers: Orphanet 352712, MedGen C3554576, MONDO:0014058, OMIM 615139.
Intrauterine growth retardation, metaphyseal dysplasia, adrenal hypoplasia congenita, genital anomalies, and immunodeficiency. Also called: IMAGEI SYNDROME. Identifiers: MedGen C5193036, MONDO:0032684, OMIM 618336.
Colorectal cancer, susceptibility to, 12 (CRCS12). Also called: COLORECTAL CANCER, SUSCEPTIBILITY TO, ON CHROMOSOME 12q24. Identifiers: Orphanet 220460, MedGen C3554460, MONDO:0014038, OMIM 615083.
Hereditary cancer-predisposing syndrome. Also called: Neoplastic Syndromes, Hereditary; Tumor predisposition; Hereditary Cancer Syndrome; Hereditary neoplastic syndrome. Identifiers: Orphanet 140162, MedGen C0027672, MeSH D009386, MONDO:0015356.

Allele frequency attached by ClinVar (database versions not stated): ExAC 0.00001; gnomAD exomes 0.00001; TOPMed 0.00001; gnomAD 0.00002.
gnomAD v4.1: 21 of 1,613,356 alleles (0.0013%); highest among the groups gnomAD compares: South Asian, 0.0033%; no homozygotes.

Submissions (4):

Labcorp Genetics (formerly Invitae), Labcorp
Classification: Uncertain significance. Last evaluated: 2026-01-11. Review status: criteria provided, single submitter. Criteria: Invitae Variant Classification Sherloc (09022015). Collection method: clinical testing. Allele origin: germline.
Comment: This sequence change replaces arginine, which is basic and polar, with cysteine, which is neutral and slightly polar, at codon 1626 of the POLE protein (p.Arg1626Cys). This variant is present in population databases (rs753713315, gnomAD 0.006%). This variant has not been reported in the literature in individuals affected with POLE-related conditions. ClinVar contains an entry for this variant (Variation ID: 473695). Invitae Evidence Modeling of protein sequence and biophysical properties (such as structural, functional, and spatial information, amino acid conservation, physicochemical variation, residue mobility, and thermodynamic stability) has been performed for this missense variant. However, the output from this modeling did not meet the statistical confidence thresholds required to predict the impact of this variant on POLE protein function. In summary, the available evidence is currently insufficient to determine the role of this variant in disease. Therefore, it has been classified as a Variant of Uncertain Significance.

Ambry Genetics
Classification: Uncertain significance for Hereditary cancer-predisposing syndrome. Last evaluated: 2025-02-20. Review status: criteria provided, single submitter. Criteria: Ambry Variant Classification Scheme 2023. Collection method: clinical testing. Allele origin: germline.
Comment: The p.R1626C variant (also known as c.4876C>T), located in coding exon 37 of the POLE gene, results from a C to T substitution at nucleotide position 4876. The arginine at codon 1626 is replaced by cysteine, an amino acid with highly dissimilar properties. This amino acid position is highly conserved in available vertebrate species. In addition, this alteration is predicted to be deleterious by in silico analysis. Based on the available evidence, the clinical significance of this variant remains unclear.

GeneDx
Classification: Uncertain significance. Last evaluated: 2023-11-20. Review status: criteria provided, single submitter. Criteria: GeneDx Variant Classification Process June 2021. Collection method: clinical testing. Allele origin: germline. Affected: yes.
Comment: Not observed at significant frequency in large population cohorts (gnomAD); In silico analysis supports that this missense variant has a deleterious effect on protein structure/function; Has not been previously published as pathogenic or benign to our knowledge

Department of Pathology and Laboratory Medicine, Sinai Health System
Classification: Uncertain significance for Colorectal cancer, susceptibility to, 12; Facial dysmorphism-immunodeficiency-livedo-short stature syndrome; Intrauterine growth retardation, metaphyseal dysplasia, adrenal hypoplasia congenita, genital anomalies, and immunodeficiency. Last evaluated: 2019-10-02. Review status: criteria provided, single submitter. Criteria: ACMG Guidelines, 2015. Collection method: clinical testing. Allele origin: germline. Affected: yes.